The following is an entry in ClinVar:

ClinVar aggregate classification (germline): Benign/Likely benign. Review status: criteria provided, multiple submitters, no conflicts (2 of 4 stars). 6 submissions from 6 submitters: Benign (2); Likely benign (2). 2 of the submissions do not count toward it. Last evaluated 2026-01-31.

Conditions:
LIFR-related disorder. Also called: LIFR-related condition.
Stuve-Wiedemann syndrome (STWS). Also called: Stüve-Wiedemann syndrome. Identifiers: Orphanet 3206, MedGen C0796176, MONDO:0031280.

Allele frequency attached by ClinVar (database versions not stated): ESP Exome Variant Server 0.00054; gnomAD 0.00064; TOPMed 0.00070; gnomAD exomes 0.00227; ExAC 0.00264; 1000 Genomes Project 30x 0.00593; 1000 Genomes Project 0.00659.
gnomAD v4.1: 1,835 of 1,614,082 alleles (0.11%); highest among the groups gnomAD compares: South Asian, 1.7%; 24 homozygotes.

Submissions (6):

Labcorp Genetics (formerly Invitae), Labcorp
Classification: Benign. Last evaluated: 2026-01-31. Review status: criteria provided, single submitter. Criteria: Invitae Variant Classification Sherloc (09022015). Collection method: clinical testing. Allele origin: germline.

GeneDx
Classification: Likely benign. Last evaluated: 2019-10-16. Review status: criteria provided, single submitter. Criteria: GeneDx Variant Classification Process June 2021. Collection method: clinical testing. Allele origin: germline. Affected: yes.

Illumina Laboratory Services, Illumina
Classification: Benign for Stüve-Wiedemann syndrome 1. Last evaluated: 2018-01-12. Review status: criteria provided, single submitter. Criteria: ICSL Variant Classification Criteria 13 December 2019. Collection method: clinical testing. Allele origin: germline.
Comment: This variant was observed in the ICSL laboratory as part of a predisposition screen in an ostensibly healthy population. It had not been previously curated by ICSL or reported in the Human Gene Mutation Database (HGMD: prior to June 1st, 2018), and was therefore a candidate for classification through an automated scoring system. Utilizing variant allele frequency, disease prevalence and penetrance estimates, and inheritance mode, an automated score was calculated to assess if this variant is too frequent to cause the disease. Based on the score and internal cut-off values, a variant classified as benign is not then subjected to further curation. The score for this variant resulted in a classification of benign for this disease.

Breakthrough Genomics
Classification: Likely benign. Review status: criteria provided, single submitter. Criteria: ACMG Guidelines, 2015. Collection method: not provided. Allele origin: germline. Inheritance: Autosomal recessive inheritance. Affected: yes.

PreventionGenetics, part of Exact Sciences
Classification: Benign for LIFR-related condition. Last evaluated: 2020-02-10. Review status: no assertion criteria provided. Collection method: clinical testing. Allele origin: germline. Not counted in ClinVar's aggregate classification.
Comment: This variant is classified as benign based on ACMG/AMP sequence variant interpretation guidelines (Richards et al. 2015 PMID: 25741868, with internal and published modifications).

Natera, Inc.
Classification: Benign for Stuve-Wiedemann syndrome. Last evaluated: 2020-01-12. Review status: no assertion criteria provided. Collection method: clinical testing. Allele origin: germline. Not counted in ClinVar's aggregate classification.

NM_001127671.2(LIFR):c.1915A>T (p.Met639Leu)

Gene: LIFR (LIF receptor subunit alpha; minus strand). Cytogenetic location: 5p13.1.
Variant type: single nucleotide variant.
Coding change: c.1915A>T on transcript NM_001127671.2 (MANE Select); coding-DNA position 1915, A replaced by T.
Protein change: p.Met639Leu; replaces methionine 639 with leucine.
Molecular consequence: missense variant.
Genome position (GRCh38, 1-based): chr5:38,493,756, T>A on the plus strand (A>T on the coding strand, the complement: LIFR is on the minus strand). VCF-style: chr5-38493756-T-A. GRCh37 (hg19) VCF-style: chr5-38493858-T-A.
Other names: c.1915A>T, p.Met639Leu (NM_002310.6, NM_001364297.2, NM_001364298.2); short protein forms M639L.
Identifiers: ClinVar variation 353622 (VCV000353622.20), dbSNP rs143808825, ClinGen allele CA3242807.